The following is an entry in ClinVar:

ClinVar aggregate classification (germline): Uncertain significance (1 of 4 stars; one submission).

Conditions:
FOXH1-related disorder. Also called: FOXH1-related condition.

Submission:

PreventionGenetics, part of Exact Sciences
Classification: Uncertain significance for FOXH1-related condition. Last evaluated: 2025-05-13. Review status: criteria provided, single submitter. Criteria: ACMG Guidelines, 2015. Collection method: clinical testing. Allele origin: germline.
Comment: The FOXH1 c.72delG variant is predicted to result in a frameshift and premature protein termination (p.Lys25Argfs*17). To our knowledge, this variant has not been reported in the literature or in a large population database (gnomAD), indicating this variant is rare. Although we suspect that this variant may be pathogenic, at this time, the clinical significance of this variant is uncertain due to the absence of conclusive functional and genetic evidence.

NM_003923.3(FOXH1):c.72del (p.Lys25fs)

Gene: FOXH1 (forkhead box H1; minus strand). Cytogenetic location: 8q24.3.
Variant type: Deletion.
Coding change: c.72del on transcript NM_003923.3 (MANE Select); coding-DNA position 72, one base deleted (G; older notation c.72delG).
Protein change: p.Lys25fs; shifts the reading frame from lysine 25.
Molecular consequence: frameshift variant.
Genome position (GRCh38, 1-based): chr8:144,475,685, C deleted on the plus strand (G on the coding strand, the reverse complement: FOXH1 is on the minus strand); the first of 2 consecutive C bases (chr8:144,475,685-144,475,686); deleting either gives the same sequence. VCF-style (leftmost placement, unchanged base first): chr8-144475684-TC-T. GRCh37 (hg19) VCF-style: chr8-145701067-TC-T.
Other names: short protein forms K25fs.
Identifiers: ClinVar variation 5002092 (VCV005002092.1).